The following is an entry in ClinVar:

NM_080680.3(COL11A2):c.2584-4dup

Gene: COL11A2 (collagen type XI alpha 2 chain; minus strand). Cytogenetic location: 6p21.32.
Variant type: Duplication.
Coding change: c.2584-4dup on transcript NM_080680.3 (MANE Select); 4 bases into the intron before coding-DNA position 2584, one base duplicated (A; older notation c.2584-4dupA).
Molecular consequence: intron variant.
Genome position (GRCh38, 1-based): chr6:33,173,749, T duplicated on the plus strand (A on the coding strand, the reverse complement: COL11A2 is on the minus strand). VCF-style (leftmost placement, unchanged base first): chr6-33173748-G-GT. GRCh37 (hg19) VCF-style: chr6-33141525-G-GT.
Other names: c.2584-4dupA (NM_080680.2); c.1558-4dup (NM_001424111.1, NM_001424110.1); c.2263-4dup (NM_080679.3); c.2326-4dup (NM_080681.3); c.2404-4dup (NM_001424108.1); c.1738-4dup (NM_001424109.1); c.538-4dup (NM_001424112.1).
Identifiers: ClinVar variation 2723822 (VCV002723822.4), dbSNP rs776525527, ClinGen allele CA3750821.

ClinVar aggregate classification (germline): Likely benign. Review status: criteria provided, multiple submitters, no conflicts (2 of 4 stars). 2 submissions from 2 submitters: Likely benign (2). Last evaluated 2026-09-15.

Conditions:
COL11A2-related disorder. Also called: COL11A2-related condition; COL11A2-related disorders.

Allele frequency attached by ClinVar (database versions not stated): TOPMed below 0.00001; gnomAD 0.00001; gnomAD exomes 0.00001; ExAC 0.00002.

Submissions (2):

PreventionGenetics, part of Exact Sciences
Classification: Likely benign for COL11A2-related condition. Last evaluated: 2026-09-15. Review status: criteria provided, single submitter. Criteria: ACMG Guidelines, 2015. Collection method: clinical testing. Allele origin: germline.
Comment: This variant is classified as likely benign based on ACMG/AMP sequence variant interpretation guidelines (Richards et al. 2015 PMID: 25741868, with internal and published modifications).

Labcorp Genetics (formerly Invitae), Labcorp
Classification: Likely benign. Last evaluated: 2025-09-21. Review status: criteria provided, single submitter. Criteria: Invitae Variant Classification Sherloc (09022015). Collection method: clinical testing. Allele origin: germline.